The following is an entry in ClinVar:

ClinVar aggregate classification (germline): Likely benign. Review status: criteria provided, multiple submitters, no conflicts (2 of 4 stars). 3 submissions from 3 submitters: Likely benign (3). Last evaluated 2025-05-27.

Conditions:
SRCAP-related disorder. Also called: SRCAP-related condition.
Inborn genetic diseases. Identifiers: MedGen C0950123, MeSH D030342.

Allele frequency attached by ClinVar (database versions not stated): TOPMed 0.00009; ExAC 0.00011; gnomAD 0.00013; 1000 Genomes Project 30x 0.00047; 1000 Genomes Project 0.00060.
gnomAD v4.1: 70 of 1,614,136 alleles (0.0043%); highest among the groups gnomAD compares: East Asian, 0.051%; no homozygotes.

Submissions (3):

Labcorp Genetics (formerly Invitae), Labcorp
Classification: Likely benign. Last evaluated: 2025-05-27. Review status: criteria provided, single submitter. Criteria: Invitae Variant Classification Sherloc (09022015). Collection method: clinical testing. Allele origin: germline.

PreventionGenetics, part of Exact Sciences
Classification: Likely benign for SRCAP-related condition. Last evaluated: 2025-03-17. Review status: criteria provided, single submitter. Criteria: ACMG Guidelines, 2015. Collection method: clinical testing. Allele origin: germline.
Comment: This variant is classified as likely benign based on ACMG/AMP sequence variant interpretation guidelines (Richards et al. 2015 PMID: 25741868, with internal and published modifications).

Ambry Genetics
Classification: Likely benign for Inborn genetic diseases. Last evaluated: 2023-11-07. Review status: criteria provided, single submitter. Criteria: Ambry Variant Classification Scheme 2023. Collection method: clinical testing. Allele origin: germline.

NM_006662.3(SRCAP):c.4904C>T (p.Ser1635Leu)

Gene: SRCAP (Snf2 related CREBBP activator protein; plus strand). Cytogenetic location: 16p11.2.
Variant type: single nucleotide variant.
Coding change: c.4904C>T on transcript NM_006662.3 (MANE Select); coding-DNA position 4904, C replaced by T.
Protein change: p.Ser1635Leu; replaces serine 1635 with leucine.
Molecular consequence: missense variant.
Genome position (GRCh38, 1-based): chr16:30,724,328, C>T. VCF-style: chr16-30724328-C-T. GRCh37 (hg19) VCF-style: chr16-30735649-C-T.
Other names: short protein forms S1635L.
Identifiers: ClinVar variation 3169841 (VCV003169841.3), dbSNP rs570036862, ClinGen allele CA8011852.